The following is an entry in ClinVar:

ClinVar aggregate classification (germline): Conflicting classifications of pathogenicity. Review status: criteria provided, conflicting classifications (1 of 4 stars). 5 submissions from 5 submitters: Uncertain significance (2); Likely benign (1). 2 of the submissions do not count toward it. Last evaluated 2024-06-11.

Conditions:
Inborn genetic diseases. Identifiers: MedGen C0950123, MeSH D030342.

Allele frequency attached by ClinVar (database versions not stated): gnomAD exomes 0.00001; TOPMed 0.00001.
gnomAD v4.1: 5 of 1,614,108 alleles (0.00031%); highest among the groups gnomAD compares: East Asian, 0.0067%; no homozygotes.

Submissions (5):

Labcorp Genetics (formerly Invitae), Labcorp
Classification: Likely benign. Last evaluated: 2024-06-11. Review status: criteria provided, single submitter. Criteria: Invitae Variant Classification Sherloc (09022015). Collection method: clinical testing. Allele origin: germline.

Ambry Genetics
Classification: Uncertain significance for Inborn genetic diseases. Last evaluated: 2023-10-10. Review status: criteria provided, single submitter. Criteria: Ambry Variant Classification Scheme 2023. Collection method: clinical testing. Allele origin: germline.

CeGaT Center for Human Genetics Tuebingen
Classification: Uncertain significance. Last evaluated: 2023-08-01. Review status: criteria provided, single submitter. Criteria: CeGaT Center For Human Genetics Tuebingen Variant Classification Criteria Version 2. Collection method: clinical testing. Allele origin: germline. Affected: yes. Observed: 1 variant allele.
Comment: CSF1R: PM2, BP4

Clinical Genetics DNA and cytogenetics Diagnostics Lab, Erasmus MC, Erasmus Medical Center
Classification: Uncertain significance. Review status: no assertion criteria provided. Collection method: clinical testing. Allele origin: germline. Affected: yes. Study: VKGL Data-share Consensus. Not counted in ClinVar's aggregate classification.

Laboratory of Diagnostic Genome Analysis, Leiden University Medical Center (LUMC)
Classification: Uncertain significance. Review status: no assertion criteria provided. Collection method: clinical testing. Allele origin: germline. Affected: yes. Study: VKGL Data-share Consensus. Not counted in ClinVar's aggregate classification.

NM_001288705.3(CSF1R):c.704T>G (p.Val235Gly)

Genes: CSF1R (colony stimulating factor 1 receptor; minus strand), LOC111188154 (RORalpha allelically-responsive CSF1R enhancer; plus strand). Cytogenetic location: 5q32.
Variant type: single nucleotide variant.
Coding change: c.704T>G on transcript NM_001288705.3 (MANE Select); coding-DNA position 704, T replaced by G.
Protein change: p.Val235Gly; replaces valine 235 with glycine.
Molecular consequence: missense variant. On other transcripts: non-coding transcript variant (2).
Genome position (GRCh38, 1-based): chr5:150,078,137, A>C on the plus strand (T>G on the coding strand, the complement: CSF1R is on the minus strand). VCF-style: chr5-150078137-A-C. GRCh37 (hg19) VCF-style: chr5-149457700-A-C.
Other names: c.704T>G, p.Val235Gly (NM_001349736.2, NM_001375320.1, NM_005211.4); c.260T>G, p.Val87Gly (NM_001375321.1); c.704T>G (NM_005211.3); short protein forms V235G, V87G.
Identifiers: ClinVar variation 1328268 (VCV001328268.29), dbSNP rs1465872803, ClinGen allele CA361730115.